The following is an entry in ClinVar:

ClinVar aggregate classification (germline): Uncertain significance (1 of 4 stars; one submission).

Allele frequency attached by ClinVar (database versions not stated): gnomAD 0.00001; TOPMed 0.00001.
gnomAD v4.1: 3 of 1,612,936 alleles (0.00019%); highest among the groups gnomAD compares: African/African-American, 0.0013%; no homozygotes.

Submission:

Ambry Genetics
Classification: Uncertain significance. Last evaluated: 2024-03-02. Review status: criteria provided, single submitter. Criteria: Ambry Variant Classification Scheme 2023. Collection method: clinical testing. Allele origin: germline.
Comment: The p.T26I variant (also known as c.77C>T), located in coding exon 2 of the NPAT gene, results from a C to T substitution at nucleotide position 77. The threonine at codon 26 is replaced by isoleucine, an amino acid with similar properties. This amino acid position is conserved. In addition, this alteration is predicted to be tolerated by in silico analysis. Since supporting evidence is limited at this time, the clinical significance of this alteration remains unclear.

NM_002519.3(NPAT):c.77C>T (p.Thr26Ile)

Gene: NPAT (nuclear protein, coactivator of histone transcription; minus strand). Cytogenetic location: 11q22.3.
Variant type: single nucleotide variant.
Coding change: c.77C>T on transcript NM_002519.3 (MANE Select); coding-DNA position 77, C replaced by T.
Protein change: p.Thr26Ile; replaces threonine 26 with isoleucine.
Molecular consequence: missense variant.
Genome position (GRCh38, 1-based): chr11:108,197,381, G>A on the plus strand (C>T on the coding strand, the complement: NPAT is on the minus strand). VCF-style: chr11-108197381-G-A. GRCh37 (hg19) VCF-style: chr11-108068108-G-A.
Other names: c.77C>T, p.Thr26Ile (NM_001321307.1); short protein forms T26I.
Identifiers: ClinVar variation 1760682 (VCV001760682.2), dbSNP rs955234581, ClinGen allele CA228408872.